The following is an entry in ClinVar:

ClinVar aggregate classification (germline): Uncertain significance (1 of 4 stars; one submission).

Conditions:
Familial cancer of breast. Also called: hereditary breast carcinoma; BREAST CANCER, FAMILIAL; Hereditary breast cancer. Identifiers: Orphanet 227535, MedGen C0346153, MONDO:0016419, OMIM 114480. Disease mechanism: loss of function.

gnomAD v4.1: 1 of 1,613,462 alleles (0.000062%); highest among the groups gnomAD compares: Non-Finnish European, 0.000085%; no homozygotes.

Submission:

Labcorp Genetics (formerly Invitae), Labcorp
Classification: Uncertain significance for Familial cancer of breast. Last evaluated: 2025-06-12. Review status: criteria provided, single submitter. Criteria: Invitae Variant Classification Sherloc (09022015). Collection method: clinical testing. Allele origin: germline.
Comment: This sequence change replaces methionine, which is neutral and non-polar, with leucine, which is neutral and non-polar, at codon 331 of the CHEK2 protein (p.Met331Leu). This variant is not present in population databases (gnomAD no frequency). This variant has not been reported in the literature in individuals affected with CHEK2-related conditions. An algorithm developed to predict the effect of missense changes on protein structure and function (PolyPhen-2) suggests that this variant is likely to be disruptive. In summary, the available evidence is currently insufficient to determine the role of this variant in disease. Therefore, it has been classified as a Variant of Uncertain Significance.

NM_007194.4(CHEK2):c.991A>T (p.Met331Leu)

Gene: CHEK2 (checkpoint kinase 2; minus strand). Cytogenetic location: 22q12.1.
Variant type: single nucleotide variant.
Coding change: c.991A>T on transcript NM_007194.4 (MANE Select); coding-DNA position 991, A replaced by T.
Protein change: p.Met331Leu; replaces methionine 331 with leucine.
Molecular consequence: missense variant.
Genome position (GRCh38, 1-based): chr22:28,699,855, T>A on the plus strand (A>T on the coding strand, the complement: CHEK2 is on the minus strand). VCF-style: chr22-28699855-T-A. GRCh37 (hg19) VCF-style: chr22-29095843-T-A.
Other names: c.1120A>T, p.Met374Leu (NM_001005735.3, NM_001438294.1); c.328A>T, p.Met110Leu (NM_001257387.3, NM_001437942.1); c.790A>T, p.Met264Leu (NM_001349956.3); c.1084A>T, p.Met362Leu (NM_001438293.1, NM_001438295.1); c.991A>T, p.Met331Leu (NM_145862.3); short protein forms M374L, M264L, M331L, M110L, M362L.
Identifiers: ClinVar variation 4721311 (VCV004721311.1).